The following is an entry in ClinVar:

NM_015971.4(MRPS7):c.199G>C (p.Glu67Gln)

Gene: MRPS7 (mitochondrial ribosomal protein S7; plus strand). Cytogenetic location: 17q25.1.
Variant type: single nucleotide variant.
Coding change: c.199G>C on transcript NM_015971.4 (MANE Select); coding-DNA position 199, G replaced by C.
Protein change: p.Glu67Gln; replaces glutamic acid 67 with glutamine.
Molecular consequence: missense variant.
Genome position (GRCh38, 1-based): chr17:75,262,612, G>C. VCF-style: chr17-75262612-G-C. GRCh37 (hg19) VCF-style: chr17-73258693-G-C.
Other names: short protein forms E67Q.
Identifiers: ClinVar variation 2049945 (VCV002049945.5), dbSNP rs202207744, ClinGen allele CA8760308.

ClinVar aggregate classification (germline): Uncertain significance. Review status: criteria provided, multiple submitters, no conflicts (2 of 4 stars). 2 submissions from 2 submitters: Uncertain significance (2). Last evaluated 2024-08-23.

Allele frequency attached by ClinVar (database versions not stated): ExAC 0.00003; gnomAD exomes 0.00001; TOPMed 0.00003; 1000 Genomes Project 30x 0.00016; gnomAD 0.00004; 1000 Genomes Project 0.00020.

Submissions (2):

Labcorp Genetics (formerly Invitae), Labcorp
Classification: Uncertain significance. Last evaluated: 2024-08-23. Review status: criteria provided, single submitter. Criteria: Invitae Variant Classification Sherloc (09022015). Collection method: clinical testing. Allele origin: germline.
Comment: This sequence change replaces glutamic acid, which is acidic and polar, with glutamine, which is neutral and polar, at codon 67 of the MRPS7 protein (p.Glu67Gln). This variant is present in population databases (rs202207744, gnomAD 0.03%). This variant has not been reported in the literature in individuals affected with MRPS7-related conditions. ClinVar contains an entry for this variant (Variation ID: 2049945). Invitae Evidence Modeling of protein sequence and biophysical properties (such as structural, functional, and spatial information, amino acid conservation, physicochemical variation, residue mobility, and thermodynamic stability) indicates that this missense variant is not expected to disrupt MRPS7 protein function with a negative predictive value of 80%. In summary, the available evidence is currently insufficient to determine the role of this variant in disease. Therefore, it has been classified as a Variant of Uncertain Significance.

Ambry Genetics
Classification: Uncertain significance. Last evaluated: 2021-07-26. Review status: criteria provided, single submitter. Criteria: Ambry Variant Classification Scheme 2023. Collection method: clinical testing. Allele origin: germline.